The following is an entry in ClinVar:

NM_000168.6(GLI3):c.748C>T (p.Pro250Ser)

Gene: GLI3 (GLI family zinc finger 3; minus strand). Cytogenetic location: 7p14.1.
Variant type: single nucleotide variant.
Coding change: c.748C>T on transcript NM_000168.6 (MANE Select); coding-DNA position 748, C replaced by T.
Protein change: p.Pro250Ser; replaces proline 250 with serine.
Molecular consequence: missense variant.
Genome position (GRCh38, 1-based): chr7:42,045,462, G>A on the plus strand (C>T on the coding strand, the complement: GLI3 is on the minus strand). VCF-style: chr7-42045462-G-A. GRCh37 (hg19) VCF-style: chr7-42085061-G-A.
Other names: short protein forms P250S.
Identifiers: ClinVar variation 360251 (VCV000360251.13), dbSNP rs202039538, ClinGen allele CA4231077.

ClinVar aggregate classification (germline): Conflicting classifications of pathogenicity. Review status: criteria provided, conflicting classifications (1 of 4 stars). 6 submissions from 4 submitters: Uncertain significance (1); Benign (1); Likely benign (4). Last evaluated 2024-05-21.

Conditions:
Inborn genetic diseases. Identifiers: MedGen C0950123, MeSH D030342.
Pallister-Hall syndrome (PHS). Also called: HYPOTHALAMIC HAMARTOBLASTOMA, HYPOPITUITARISM, IMPERFORATE ANUS, AND POSTAXIAL POLYDACTYLY; GLI3-Related Pallister-Hall Syndrome. Identifiers: Orphanet 672, MedGen C0265220, MONDO:0007804, OMIM 146510.
Greig cephalopolysyndactyly syndrome (GCPS). Also called: POLYSYNDACTYLY WITH PECULIAR SKULL SHAPE; Greig syndrome; GLI3-Related Greig Cephalopolysyndactyly Syndrome. Identifiers: Orphanet 380, MedGen C0265306, MONDO:0008287, OMIM 175700.
Polydactyly. Also called: polydactylism. Identifiers: MedGen C0152427, MONDO:0021003, OMIM 603596, HP:0010442.

Allele frequency attached by ClinVar (database versions not stated): gnomAD 0.00006 and 0.00007; TOPMed 0.00007; ExAC 0.00008; gnomAD exomes 0.00012; ESP Exome Variant Server 0.00015.

Submissions (6):

Ambry Genetics
Classification: Likely benign for Inborn genetic diseases. Last evaluated: 2024-05-21. Review status: criteria provided, single submitter. Criteria: Ambry Variant Classification Scheme 2023. Collection method: clinical testing. Allele origin: germline.

Labcorp Genetics (formerly Invitae), Labcorp
Classification: Benign for Pallister-Hall syndrome; Greig cephalopolysyndactyly syndrome. Last evaluated: 2024-01-15. Review status: criteria provided, single submitter. Criteria: Invitae Variant Classification Sherloc (09022015). Collection method: clinical testing. Allele origin: germline.

GeneDx
Classification: Uncertain significance. Last evaluated: 2019-02-21. Review status: criteria provided, single submitter. Criteria: GeneDx Variant Classification Process June 2021. Collection method: clinical testing. Allele origin: germline. Affected: yes.
Comment: In silico analysis, which includes protein predictors and evolutionary conservation, supports a deleterious effect; Has not been previously published as pathogenic or benign to our knowledge

Illumina Laboratory Services, Illumina
Classification: Likely benign for Pallister-Hall syndrome. Last evaluated: 2018-01-12. Review status: criteria provided, single submitter. Criteria: ICSL Variant Classification Criteria 13 December 2019. Collection method: clinical testing. Allele origin: germline.
Comment: This variant was observed in the ICSL laboratory as part of a predisposition screen in an ostensibly healthy population. It had not been previously curated by ICSL or reported in the Human Gene Mutation Database (HGMD: prior to June 1st, 2018), and was therefore a candidate for classification through an automated scoring system. Utilizing variant allele frequency, disease prevalence and penetrance estimates, and inheritance mode, an automated score was calculated to assess if this variant is too frequent to cause the disease. Based on the score and internal cut-off values, a variant classified as likely benign is not then subjected to further curation. The score for this variant resulted in a classification of likely benign for this disease.

Illumina Laboratory Services, Illumina
Classification: Likely benign for Greig cephalopolysyndactyly syndrome. Last evaluated: 2018-01-12. Review status: criteria provided, single submitter. Criteria: ICSL Variant Classification Criteria 13 December 2019. Collection method: clinical testing. Allele origin: germline.
Comment: the same text as in the submission from Illumina Laboratory Services, Illumina above.

Illumina Laboratory Services, Illumina
Classification: Likely benign for Polydactyly. Last evaluated: 2018-01-12. Review status: criteria provided, single submitter. Criteria: ICSL Variant Classification Criteria 13 December 2019. Collection method: clinical testing. Allele origin: germline.
Comment: the same text as in the submission from Illumina Laboratory Services, Illumina above.